The following is an entry in ClinVar:

NM_003673.4(TCAP):c.223G>A (p.Gly75Ser)

Gene: TCAP (titin-cap; plus strand). Cytogenetic location: 17q12.
Variant type: single nucleotide variant.
Coding change: c.223G>A on transcript NM_003673.4 (MANE Select); coding-DNA position 223, G replaced by A.
Protein change: p.Gly75Ser; replaces glycine 75 with serine.
Molecular consequence: missense variant.
Genome position (GRCh38, 1-based): chr17:39,665,828, G>A. VCF-style: chr17-39665828-G-A. GRCh37 (hg19) VCF-style: chr17-37822081-G-A.
Other names: p.G75S:GGC>AGC; short protein forms G75S.
Identifiers: ClinVar variation 202111 (VCV000202111.25), dbSNP rs753744791, ClinGen allele CA308843.
Genomic context (GRCh38, chr17:39,665,828, plus strand): 5'-GGGCAGTGCCAGGTGCTGGTGCAGCGCTCGCCCTGGCTGATGATGCGGATGGGCATCCTC[G>A]GCCGTGGGCTGCAGGAGTACCAGCTGCCCTACCAGCGGGTACTGCCGCTGCCCATCTTCA-3'
Protein context (NP_003664.1, residues 65-85): PWLMMRMGIL[Gly75Ser]RGLQEYQLPY

ClinVar aggregate classification (germline): Uncertain significance. Review status: criteria provided, multiple submitters, no conflicts (2 of 4 stars). 9 submissions from 9 submitters: Uncertain significance (9). Last evaluated 2026-08-28.

Conditions:
TCAP-related disorder. Also called: TCAP-related condition.
Cardiovascular phenotype. Identifiers: MedGen CN230736.
Hypertrophic cardiomyopathy 25 (CMH25). Also called: CARDIOMYOPATHY, FAMILIAL HYPERTROPHIC, 25. Identifiers: MedGen C4225408, MONDO:0011843, OMIM 607487.
Primary familial hypertrophic cardiomyopathy (HCM). Identifiers: Orphanet 99739, MedGen C0949658, MeSH D024741, MONDO:0024573. Inheritance: Various modes of inheritance.
Autosomal recessive limb-girdle muscular dystrophy type 2G (LGMDR7). Also called: Telethoninopathy; Limb-girdle muscular dystrophy, type 2G; MUSCULAR DYSTROPHY, LIMB-GIRDLE, AUTOSOMAL RECESSIVE 7. Identifiers: Orphanet 34514, MedGen C1866008, MONDO:0011170, OMIM 601954.

Allele frequency attached by ClinVar (database versions not stated): ExAC 0.00002; gnomAD exomes 0.00002; TOPMed 0.00006; gnomAD 0.00009 and 0.00010.

Submissions (9):

PreventionGenetics, part of Exact Sciences
Classification: Uncertain significance for TCAP-related condition. Last evaluated: 2026-08-28. Review status: criteria provided, single submitter. Criteria: ACMG Guidelines, 2015. Collection method: clinical testing. Allele origin: germline.
Comment: The TCAP c.223G>A variant is predicted to result in the amino acid substitution p.Gly75Ser. To our knowledge, this variant has not been reported in the literature. This variant is reported in 0.013% of alleles in individuals of African descent in gnomAD and is interpreted as uncertain in the ClinVar database (Variation ID: 202111). At this time, the clinical significance of this variant is uncertain due to the absence of conclusive functional and genetic evidence.

Labcorp Genetics (formerly Invitae), Labcorp
Classification: Uncertain significance for Hypertrophic cardiomyopathy 25; Primary familial hypertrophic cardiomyopathy. Last evaluated: 2026-01-20. Review status: criteria provided, single submitter. Criteria: Invitae Variant Classification Sherloc (09022015). Collection method: clinical testing. Allele origin: germline.
Comment: This sequence change replaces glycine, which is neutral and non-polar, with serine, which is neutral and polar, at codon 75 of the TCAP protein (p.Gly75Ser). This variant is present in population databases (rs753744791, gnomAD 0.02%). This missense change has been observed in individual(s) with limb–girdle muscular weakness (PMID: 39678382). ClinVar contains an entry for this variant (Variation ID: 202111). An algorithm developed to predict the effect of missense changes on protein structure and function (PolyPhen-2) suggests that this variant is likely to be disruptive. In summary, the available evidence is currently insufficient to determine the role of this variant in disease. Therefore, it has been classified as a Variant of Uncertain Significance.

Ambry Genetics
Classification: Uncertain significance for Cardiovascular phenotype. Last evaluated: 2025-07-12. Review status: criteria provided, single submitter. Criteria: Ambry Variant Classification Scheme 2023. Collection method: clinical testing. Allele origin: germline.

ARUP Laboratories, Molecular Genetics and Genomics, ARUP Laboratories
Classification: Uncertain significance. Last evaluated: 2024-07-22. Review status: criteria provided, single submitter. Criteria: ARUP Molecular Germline Variant Investigation Process 2024. Collection method: clinical testing. Allele origin: germline.
Comment: The TCAP c.223G>A; p.Gly75Ser variant (rs753744791), to our knowledge, is not reported in the medical literature but is reported in ClinVar (Variation ID: 202111). This variant is only observed on six alleles in the Genome Aggregation Database (v2.1.1), indicating it is not a common polymorphism. Computational analyses are uncertain whether this variant is neutral or deleterious (REVEL: 0.543). Due to limited information, the clinical significance of this variant is uncertain at this time.

Fulgent Genetics
Classification: Uncertain significance for Autosomal recessive limb-girdle muscular dystrophy type 2G; Hypertrophic cardiomyopathy 25. Last evaluated: 2021-10-12. Review status: criteria provided, single submitter. Criteria: ACMG Guidelines, 2015. Collection method: clinical testing. Allele origin: unknown.

Institute of Human Genetics, University of Leipzig Medical Center
Classification: Uncertain significance for Hypertrophic cardiomyopathy 25. Last evaluated: 2019-09-03. Review status: criteria provided, single submitter. Criteria: ACMG Guidelines, 2015. Collection method: clinical testing. Allele origin: germline. Affected: yes. Observed: 1 variant allele.

Revvity Omics, Revvity
Classification: Uncertain significance. Last evaluated: 2019-03-12. Review status: criteria provided, single submitter. Criteria: ACMG Guidelines, 2015. Collection method: clinical testing. Allele origin: germline.

Centre for Mendelian Genomics, University Medical Centre Ljubljana
Classification: Uncertain significance for Autosomal recessive limb-girdle muscular dystrophy type 2G. Last evaluated: 2019-03-01. Review status: criteria provided, single submitter. Criteria: ACMG Guidelines, 2015. Collection method: clinical testing. Allele origin: unknown. Affected: yes.
Comment: This variant was classified as: Uncertain significance. The available evidence on this variant's pathogenicity is insufficient or conflicting. The following ACMG criteria were applied in classifying this variant: PP5.

GeneDx
Classification: Uncertain significance. Last evaluated: 2018-02-19. Review status: criteria provided, single submitter. Criteria: GeneDx Variant Classification (06012015). Collection method: clinical testing. Allele origin: germline. Affected: yes.
Comment: The G75S variant has not been published as pathogenic or been reported as benign to our knowledge. The G75S variant is observed in 4/22984 (0.02%) alleles from individuals of African background in large population cohorts (Lek et al., 2016). Nevertheless, the G75S variant is a non-conservative amino acid substitution, which is likely to impact secondary protein structure as these residues differ in polarity, charge, size and/or other properties. Additionally, in-silico analyses, including protein predictors and evolutionary conservation, support a deleterious effect.

Literature cited by the submitters: PubMed 39678382 (cited by Labcorp Genetics (formerly Invitae), Labcorp).